The following is an entry in ClinVar:

ClinVar aggregate classification (germline): Uncertain significance (1 of 4 stars; one submission).

gnomAD v4.1: 1 of 1,613,310 alleles (0.000062%); highest among the groups gnomAD compares: African/African-American, 0.0013%; no homozygotes.

Submission:

GeneDx
Classification: Uncertain significance. Last evaluated: 2019-12-30. Review status: criteria provided, single submitter. Criteria: GeneDx Variant Classification Process June 2021. Collection method: clinical testing. Allele origin: germline. Affected: yes.
Comment: Not observed in large population cohorts (Lek et al., 2016); In silico analysis, which includes protein predictors and evolutionary conservation, supports that this variant does not alter protein structure/function; Has not been previously published as pathogenic or benign to our knowledge

NM_001375524.1(TRRAP):c.4193A>G (p.Asn1398Ser)

Gene: TRRAP (transformation/transcription domain associated protein; plus strand). Cytogenetic location: 7q22.1.
Variant type: single nucleotide variant.
Coding change: c.4193A>G on transcript NM_001375524.1 (MANE Select); coding-DNA position 4193, A replaced by G.
Protein change: p.Asn1398Ser; replaces asparagine 1398 with serine.
Molecular consequence: missense variant.
Genome position (GRCh38, 1-based): chr7:98,937,237, A>G. VCF-style: chr7-98937237-A-G. GRCh37 (hg19) VCF-style: chr7-98534860-A-G.
Other names: c.4193A>G, p.Asn1398Ser (NM_001244580.2, NM_003496.4); short protein forms N1398S.
Identifiers: ClinVar variation 1311288 (VCV001311288.2), dbSNP rs918527352, ClinGen allele CA163082829.